The following is an entry in ClinVar:

NM_001370785.2(LRRC7):c.4110+4_4110+7del

Gene: LRRC7 (leucine rich repeat containing 7; plus strand). Cytogenetic location: 1p31.1.
Variant type: Microsatellite.
Coding change: c.4110+4_4110+7del on transcript NM_001370785.2 (MANE Select); bases 4 to 7 of the intron after coding-DNA position 4110, 4 bases deleted (AGTA; older notation c.4110+4_4110+7delAGTA).
Molecular consequence: splice donor variant. On other transcripts: intron variant (5).
Genome position (GRCh38, 1-based): chr1:70,044,098-70,044,101, AGTA deleted; deleting any 4 consecutive bases within chr1:70,044,093-70,044,101 gives the same sequence; the c. name uses the placement nearest the transcript's 3' end. VCF-style (leftmost placement, unchanged base first): chr1-70044092-AAAGT-A. GRCh37 (hg19) VCF-style: chr1-70509775-AAAGT-A.
Other names: c.3870+4305_3870+4308del (NM_001330635.3, NM_001366841.1); c.3810+4305_3810+4308del (NM_001366839.3); c.3969+4305_3969+4308del (NM_001366838.3); c.3972+4305_3972+4308del (NM_001350216.3).
Identifiers: ClinVar variation 4873601 (VCV004873601.2).

ClinVar aggregate classification (germline): Likely benign (1 of 4 stars; one submission).

Submission:

CeGaT Center for Human Genetics Tuebingen
Classification: Likely benign. Last evaluated: 2026-06-01. Review status: criteria provided, single submitter. Criteria: CeGaT Center For Human Genetics Tuebingen Variant Classification Criteria Version 2. Collection method: clinical testing. Allele origin: germline. Affected: yes. Observed: 2 variant alleles.
Comment: LRRC7: PP3, BS1